The following is an entry in ClinVar:

NM_001136193.2(FASTKD2):c.-150C>T

Genes: FASTKD2 (FAST kinase domains 2; plus strand), LOC129935479 (ATAC-STARR-seq lymphoblastoid active region 17028; plus strand). Cytogenetic location: 2q33.3.
Variant type: single nucleotide variant.
Coding change: c.-150C>T on transcript NM_001136193.2 (MANE Select); 150 bases upstream of the start codon, C replaced by T.
Molecular consequence: 5 prime UTR variant.
Genome position (GRCh38, 1-based): chr2:206,765,648, C>T. VCF-style: chr2-206765648-C-T. GRCh37 (hg19) VCF-style: chr2-207630372-C-T.
Other names: c.-165C>T (NM_001136194.2); c.-57C>T (NM_014929.4).
Identifiers: ClinVar variation 386023 (VCV000386023.1), dbSNP rs1039243027, ClinGen allele CA16604362.

ClinVar aggregate classification (germline): Likely benign (1 of 4 stars; one submission).

Allele frequency attached by ClinVar (database versions not stated): TOPMed 0.00007; gnomAD 0.00003 and 0.00005.
gnomAD v4.1: 68 of 560,128 alleles (0.012%); highest among the groups gnomAD compares: Non-Finnish European, 0.015%; no homozygotes.

Submission:

GeneDx
Classification: Likely benign. Last evaluated: 2016-05-17. Review status: criteria provided, single submitter. Criteria: GeneDx Variant Classification (06012015). Collection method: clinical testing. Allele origin: germline. Affected: yes.
Comment: This variant is considered likely benign or benign based on one or more of the following criteria: it is a conservative change, it occurs at a poorly conserved position in the protein, it is predicted to be benign by multiple in silico algorithms, and/or has population frequency not consistent with disease.